The following is an entry in ClinVar:

ClinVar aggregate classification (germline): Uncertain significance. Review status: criteria provided, multiple submitters, no conflicts (2 of 4 stars). 2 submissions from 2 submitters: Uncertain significance (2). Last evaluated 2018-12-15.

Conditions:
Nephronophthisis. Also called: Juvenile Nephronophthisis. Identifiers: Orphanet 655, MedGen C0687120, MONDO:0019005, HP:0000090.

Allele frequency attached by ClinVar (database versions not stated): TOPMed below 0.00001; gnomAD 0.00003.
gnomAD v4.1: 19 of 1,613,824 alleles (0.0012%); highest among the groups gnomAD compares: Non-Finnish European, 0.0015%; no homozygotes.

Submissions (2):

Labcorp Genetics (formerly Invitae), Labcorp
Classification: Uncertain significance for Nephronophthisis. Last evaluated: 2018-12-15. Review status: criteria provided, single submitter. Criteria: Invitae Variant Classification Sherloc (09022015). Collection method: clinical testing. Allele origin: germline.
Comment: This sequence change replaces glycine with alanine at codon 1100 of the NPHP3 protein (p.Gly1100Ala). The glycine residue is highly conserved and there is a small physicochemical difference between glycine and alanine. This variant is present in population databases (rs758927671, ExAC 0.001%). This variant has not been reported in the literature in individuals with NPHP3-related conditions. Algorithms developed to predict the effect of missense changes on protein structure and function are either unavailable or do not agree on the potential impact of this missense change (SIFT: "Tolerated"; PolyPhen-2: "Possibly Damaging"; Align-GVGD: "Class C0"). In summary, the available evidence is currently insufficient to determine the role of this variant in disease. Therefore, it has been classified as a Variant of Uncertain Significance.

Eurofins Ntd Llc (ga)
Classification: Uncertain significance. Last evaluated: 2017-08-11. Review status: criteria provided, single submitter. Criteria: EGL Classification Definitions 2015. Collection method: clinical testing. Allele origin: germline. Observed: 1 variant allele, 1 heterozygote.

NM_153240.5(NPHP3):c.3299G>C (p.Gly1100Ala)

Genes: NPHP3 (nephrocystin 3; minus strand), NPHP3-ACAD11 (NPHP3-ACAD11 readthrough (NMD candidate); minus strand). Cytogenetic location: 3q22.1.
Variant type: single nucleotide variant.
Coding change: c.3299G>C on transcript NM_153240.5 (MANE Select); coding-DNA position 3299, G replaced by C.
Protein change: p.Gly1100Ala; replaces glycine 1100 with alanine.
Molecular consequence: missense variant. On other transcripts: non-coding transcript variant (1).
Genome position (GRCh38, 1-based): chr3:132,686,290, C>G on the plus strand (G>C on the coding strand, the complement: NPHP3 is on the minus strand). VCF-style: chr3-132686290-C-G. GRCh37 (hg19) VCF-style: chr3-132405134-C-G.
Other names: short protein forms G1100A.
Identifiers: ClinVar variation 593619 (VCV000593619.12), dbSNP rs758927671, ClinGen allele CA2621782.